The following is an entry in ClinVar:

NM_001098.3(ACO2):c.1534G>A (p.Asp512Asn)

Gene: ACO2 (aconitase 2; plus strand). Cytogenetic location: 22q13.2.
Variant type: single nucleotide variant.
Coding change: c.1534G>A on transcript NM_001098.3 (MANE Select); coding-DNA position 1534, G replaced by A.
Protein change: p.Asp512Asn; replaces aspartic acid 512 with asparagine.
Molecular consequence: missense variant.
Genome position (GRCh38, 1-based): chr22:41,524,897, G>A. VCF-style: chr22-41524897-G-A. GRCh37 (hg19) VCF-style: chr22-41920901-G-A.
Other names: short protein forms D512N.
Identifiers: ClinVar variation 1810223 (VCV001810223.4), dbSNP rs775616803, ClinGen allele CA10257690.

ClinVar aggregate classification (germline): Conflicting classifications of pathogenicity. Review status: criteria provided, conflicting classifications (1 of 4 stars). 3 submissions from 3 submitters: Likely pathogenic (1); Uncertain significance (2). Last evaluated 2024-10-04.

Conditions:
Mitochondrial disease. Also called: Mitochondrial disorder; Mitochondrial disorders. Identifiers: Orphanet 68380, MedGen C0751651, MeSH D028361, MONDO:0044970.
Optic atrophy 9 (OPA9). Identifiers: MedGen C4225384, MONDO:0014571, OMIM 616289.

Allele frequency attached by ClinVar (database versions not stated): ExAC 0.00001; gnomAD 0.00001; gnomAD exomes 0.00001; TOPMed 0.00001.
gnomAD v4.1: 17 of 1,614,084 alleles (0.0011%); highest among the groups gnomAD compares: Non-Finnish European, 0.0012%; no homozygotes.

Submissions (3):

Dubai Health Genomic Medicine Center, Dubai Health
Classification: Likely pathogenic for Optic atrophy 9. Last evaluated: 2024-10-04. Review status: criteria provided, single submitter. Criteria: ACMG Guidelines, 2015. Collection method: research. Allele origin: germline. Affected: yes.
Comment: PM3, PS3, PM2, PP3

Blueprint Genetics
Classification: Uncertain significance. Last evaluated: 2023-10-13. Review status: criteria provided, single submitter. Criteria: ACMG Guidelines, 2015. Collection method: clinical testing. Allele origin: germline.

Illumina Laboratory Services, Illumina
Classification: Uncertain significance for Mitochondrial disease. Last evaluated: 2023-02-09. Review status: criteria provided, single submitter. Criteria: ICSLVariantClassificationCriteria RUGD 01 April 2020. Collection method: clinical testing. Allele origin: unknown.
Comment: The ACO2 c.1534G>A (p.Asp512Asn) missense variant results in the substitution of aspartic acid at amino acid position 512 with asparagine. This variant has been reported in a compound heterozygous state with a second missense variant in an individual with progressive cerebellar and cerebral atrophy, hypotonia, ataxia, seizure disorder, developmental delay, ophthalmological abnormalities and hearing loss (PMID: 31106992). This variant is reported in the Genome Aggregation Database in two alleles at a frequency of 0.000007 in the Total population (version 2.1.1). When expressed in HEK293 cells, the p.Asp512Asn variant showed 76% of wildtype aconitase activity (PMID: 31106992). Based on the available evidence, the c.1534G>A (p.Asp512Asn) variant is classified as a variant of uncertain significance for primary mitochondrial disease.